The following is an entry in ClinVar:

ClinVar aggregate classification (germline): Uncertain significance. Review status: criteria provided, multiple submitters, no conflicts (2 of 4 stars). 2 submissions from 2 submitters: Uncertain significance (2). Last evaluated 2025-08-20.

Conditions:
Multiple endocrine neoplasia type 4. Also called: MULTIPLE ENDOCRINE NEOPLASIA, TYPE IV. Identifiers: Orphanet 276152, MedGen C1970712, MONDO:0012552, OMIM 610755.
Hereditary cancer-predisposing syndrome. Also called: Tumor predisposition; Hereditary neoplastic syndrome; Neoplastic Syndromes, Hereditary; Hereditary Cancer Syndrome. Identifiers: Orphanet 140162, MedGen C0027672, MeSH D009386, MONDO:0015356.

Allele frequency attached by ClinVar (database versions not stated): gnomAD 0.00001.
gnomAD v4.1: 1 of 1,614,118 alleles (0.000062%); highest among the groups gnomAD compares: Non-Finnish European, 0.000085%; no homozygotes.

Submissions (2):

Ambry Genetics
Classification: Uncertain significance for Hereditary cancer-predisposing syndrome. Last evaluated: 2025-08-20. Review status: criteria provided, single submitter. Criteria: Ambry Variant Classification Scheme 2023. Collection method: clinical testing. Allele origin: germline.
Comment: The p.N31K variant (also known as c.93C>A), located in coding exon 1 of the CDKN1B gene, results from a C to A substitution at nucleotide position 93. The asparagine at codon 31 is replaced by lysine, an amino acid with similar properties. This amino acid position is conserved. In addition, this alteration is predicted to be tolerated by in silico analysis. Based on the available evidence, the clinical significance of this variant remains unclear.

Labcorp Genetics (formerly Invitae), Labcorp
Classification: Uncertain significance for Multiple endocrine neoplasia type 4. Last evaluated: 2022-02-10. Review status: criteria provided, single submitter. Criteria: Invitae Variant Classification Sherloc (09022015). Collection method: clinical testing. Allele origin: germline.
Comment: Algorithms developed to predict the effect of missense changes on protein structure and function (SIFT, PolyPhen-2, Align-GVGD) all suggest that this variant is likely to be disruptive. In summary, the available evidence is currently insufficient to determine the role of this variant in disease. Therefore, it has been classified as a Variant of Uncertain Significance. This variant has not been reported in the literature in individuals affected with CDKN1B-related conditions. This variant is present in population databases (no rsID available, gnomAD 0.0009%). This sequence change replaces asparagine, which is neutral and polar, with lysine, which is basic and polar, at codon 31 of the CDKN1B protein (p.Asn31Lys).

NM_004064.5(CDKN1B):c.93C>A (p.Asn31Lys)

Gene: CDKN1B (cyclin dependent kinase inhibitor 1B; plus strand). Cytogenetic location: 12p13.1.
Variant type: single nucleotide variant.
Coding change: c.93C>A on transcript NM_004064.5 (MANE Select); coding-DNA position 93, C replaced by A.
Protein change: p.Asn31Lys; replaces asparagine 31 with lysine.
Molecular consequence: missense variant.
Genome position (GRCh38, 1-based): chr12:12,717,932, C>A. VCF-style: chr12-12717932-C-A. GRCh37 (hg19) VCF-style: chr12-12870866-C-A.
Other names: c.93C>A (NM_004064.3); short protein forms N31K.
Identifiers: ClinVar variation 1379247 (VCV001379247.9), dbSNP rs577554685, ClinGen allele CA383968505.